The following is an entry in ClinVar:

ClinVar aggregate classification (germline): Uncertain significance (1 of 4 stars; one submission).

gnomAD v4.1: 3 of 1,611,172 alleles (0.00019%); highest among the groups gnomAD compares: Admixed American, 0.005%; no homozygotes.

Submission:

Labcorp Genetics (formerly Invitae), Labcorp
Classification: Uncertain significance. Last evaluated: 2024-10-17. Review status: criteria provided, single submitter. Criteria: Invitae Variant Classification Sherloc (09022015). Collection method: clinical testing. Allele origin: germline.
Comment: This sequence change falls in intron 5 of the APPL1 gene. It does not directly change the encoded amino acid sequence of the APPL1 protein. It affects a nucleotide within the consensus splice site. This variant is present in population databases (rs763654188, gnomAD 0.006%). This variant has not been reported in the literature in individuals affected with APPL1-related conditions. Variants that disrupt the consensus splice site are a relatively common cause of aberrant splicing (PMID: 17576681, 9536098). Algorithms developed to predict the effect of sequence changes on RNA splicing suggest that this variant is not likely to affect RNA splicing. In summary, the available evidence is currently insufficient to determine the role of this variant in disease. Therefore, it has been classified as a Variant of Uncertain Significance.

Literature cited by the submitters: PubMed 17576681; PubMed 9536098.

NM_012096.3(APPL1):c.373+4T>C

Gene: APPL1 (adaptor protein, phosphotyrosine interacting with PH domain and leucine zipper 1; plus strand). Cytogenetic location: 3p14.3.
Variant type: single nucleotide variant.
Coding change: c.373+4T>C on transcript NM_012096.3 (MANE Select); 4 bases into the intron after coding-DNA position 373, T replaced by C.
Molecular consequence: intron variant.
Genome position (GRCh38, 1-based): chr3:57,240,556, T>C. VCF-style: chr3-57240556-T-C. GRCh37 (hg19) VCF-style: chr3-57274584-T-C.
Identifiers: ClinVar variation 3695275 (VCV003695275.2).